The following is an entry in ClinVar:

ClinVar aggregate classification (germline): Likely benign. Review status: criteria provided, multiple submitters, no conflicts (2 of 4 stars). 2 submissions from 2 submitters: Likely benign (2). Last evaluated 2025-12-03.

Conditions:
RASopathy. Also called: Noonan spectrum disorder; rasopathies. Identifiers: Orphanet 536391, MedGen C5555857, MONDO:0021060.

Submissions (2):

Labcorp Genetics (formerly Invitae), Labcorp
Classification: Likely benign for RASopathy. Last evaluated: 2025-12-03. Review status: criteria provided, single submitter. Criteria: Invitae Variant Classification Sherloc (09022015). Collection method: clinical testing. Allele origin: germline.

GeneDx
Classification: Likely benign. Last evaluated: 2017-08-30. Review status: criteria provided, single submitter. Criteria: GeneDx Variant Classification (06012015). Collection method: clinical testing. Allele origin: germline. Affected: yes.
Comment: This variant is considered likely benign or benign based on one or more of the following criteria: it is a conservative change, it occurs at a poorly conserved position in the protein, it is predicted to be benign by multiple in silico algorithms, and/or has population frequency not consistent with disease.

NM_004333.6(BRAF):c.1956A>C (p.Gly652=)

Gene: BRAF (B-Raf proto-oncogene, serine/threonine kinase; minus strand). Cytogenetic location: 7q34.
Variant type: single nucleotide variant.
Coding change: c.1956A>C on transcript NM_004333.6 (MANE Select); coding-DNA position 1956, A replaced by C.
Protein change: p.Gly652=; no amino-acid change (glycine 652 retained).
Molecular consequence: synonymous variant.
Genome position (GRCh38, 1-based): chr7:140,749,323, T>G on the plus strand (A>C on the coding strand, the complement: BRAF is on the minus strand). VCF-style: chr7-140749323-T-G. GRCh37 (hg19) VCF-style: chr7-140449123-T-G.
Other names: c.1956A>C, p.Gly652= (NM_001354609.2, NM_001378468.1, NM_001378474.1); c.2076A>C, p.Gly692= (NM_001374244.1, NM_001374258.1); c.1965A>C, p.Gly655= (NM_001378467.1); c.1890A>C, p.Gly630= (NM_001378469.1); c.1854A>C, p.Gly618= (NM_001378470.1); c.1845A>C, p.Gly615= (NM_001378471.1); c.1800A>C, p.Gly600= (NM_001378472.1, NM_001378473.1); c.1692A>C, p.Gly564= (NM_001378475.1).
Identifiers: ClinVar variation 511797 (VCV000511797.3), dbSNP rs1554392528, ClinGen allele CA457985741.